The following is an entry in ClinVar:

ClinVar aggregate classification (germline): Uncertain significance. Review status: criteria provided, multiple submitters, no conflicts (2 of 4 stars). 3 submissions from 3 submitters: Uncertain significance (3). Last evaluated 2022-12-30.

Conditions:
Neuronal ceroid lipofuscinosis 11. Also called: GRN-Related Neuronal Ceroid-Lipofuscinosis. Identifiers: Orphanet 314629, Orphanet 79262, MedGen C3539123, MONDO:0013866, OMIM 614706.
GRN-related frontotemporal lobar degeneration with Tdp43 inclusions (FTD2). Also called: GRN Frontotemporal Dementia; FRONTOTEMPORAL DEMENTIA WITH TDP43 INCLUSIONS, GRN-RELATED; DEMENTIA, HEREDITARY DYSPHASIC DISINHIBITION; FRONTOTEMPORAL LOBAR DEGENERATION WITH UBIQUITIN-POSITIVE INCLUSIONS; FTLD-TDP, GRN-RELATED. Identifiers: Orphanet 100070, Orphanet 282, MedGen C1843792, MONDO:0011842, OMIM 607485. Disease mechanism: loss of function.
Inborn genetic diseases. Identifiers: MedGen C0950123, MeSH D030342.

Allele frequency attached by ClinVar (database versions not stated): gnomAD exomes below 0.00001 and 0.00001; gnomAD 0.00002; TOPMed 0.00003.
gnomAD v4.1: 7 of 1,614,092 alleles (0.00043%); highest among the groups gnomAD compares: African/African-American, 0.0053%; no homozygotes.

Submissions (3):

Labcorp Genetics (formerly Invitae), Labcorp
Classification: Uncertain significance for Neuronal ceroid lipofuscinosis 11; GRN-related frontotemporal lobar degeneration with Tdp43 inclusions. Last evaluated: 2022-12-30. Review status: criteria provided, single submitter. Criteria: Invitae Variant Classification Sherloc (09022015). Collection method: clinical testing. Allele origin: germline.
Comment: In summary, the available evidence is currently insufficient to determine the role of this variant in disease. Therefore, it has been classified as a Variant of Uncertain Significance. Algorithms developed to predict the effect of missense changes on protein structure and function (SIFT, PolyPhen-2, Align-GVGD) all suggest that this variant is likely to be tolerated. ClinVar contains an entry for this variant (Variation ID: 588452). This variant has not been reported in the literature in individuals affected with GRN-related conditions. This variant is present in population databases (no rsID available, gnomAD 0.007%). This sequence change replaces leucine, which is neutral and non-polar, with valine, which is neutral and non-polar, at codon 53 of the GRN protein (p.Leu53Val).

GeneDx
Classification: Uncertain significance. Last evaluated: 2019-12-10. Review status: criteria provided, single submitter. Criteria: GeneDx Variant Classification Process June 2021. Collection method: clinical testing. Allele origin: germline. Affected: yes.
Comment: In silico analysis, which includes protein predictors and evolutionary conservation, supports that this variant does not alter protein structure/function; Has not been previously published as pathogenic or benign to our knowledge

Ambry Genetics
Classification: Uncertain significance for Inborn genetic diseases. Last evaluated: 2016-11-18. Review status: criteria provided, single submitter. Criteria: Ambry Variant Classification Scheme 2023. Collection method: clinical testing. Allele origin: germline.
Comment: The p.L53V variant (also known as c.157C>G), located in coding exon 2 of the GRN gene, results from a C to G substitution at nucleotide position 157. The leucine at codon 53 is replaced by valine, an amino acid with highly similar properties. This variant was not reported in population based cohorts in the following databases: Database of Single Nucleotide Polymorphisms (dbSNP), NHLBI Exome Sequencing Project (ESP), and 1000 Genomes Project. In the ESP, this variant was not observed in 6503 samples (13006 alleles) with coverage at this position. This amino acid position is not well conserved in available vertebrate species. In addition, this alteration is predicted to be tolerated by in silico analysis. Since supporting evidence is limited at this time, the clinical significance of this variant remains unclear.

NM_002087.4(GRN):c.157C>G (p.Leu53Val)

Gene: GRN (granulin precursor; plus strand). Cytogenetic location: 17q21.31.
Variant type: single nucleotide variant.
Coding change: c.157C>G on transcript NM_002087.4 (MANE Select); coding-DNA position 157, C replaced by G.
Protein change: p.Leu53Val; replaces leucine 53 with valine.
Molecular consequence: missense variant.
Genome position (GRCh38, 1-based): chr17:44,349,444, C>G. VCF-style: chr17-44349444-C-G. GRCh37 (hg19) VCF-style: chr17-42426812-C-G.
Other names: short protein forms L53V.
Identifiers: ClinVar variation 588452 (VCV000588452.13), dbSNP rs906652114, ClinGen allele CA290922409.